The following is an entry in ClinVar:

NM_015100.4(POGZ):c.2164dup (p.Met722fs)

Gene: POGZ (pogo transposable element derived with ZNF domain; minus strand). Cytogenetic location: 1q21.3.
Variant type: Duplication.
Coding change: c.2164dup on transcript NM_015100.4 (MANE Select); coding-DNA position 2164, one base duplicated (A; older notation c.2164dupA).
Protein change: p.Met722fs; shifts the reading frame from methionine 722.
Molecular consequence: frameshift variant.
Genome position (GRCh38, 1-based): chr1:151,408,479, T duplicated on the plus strand (A on the coding strand, the reverse complement: POGZ is on the minus strand); the first of 2 consecutive T bases (chr1:151,408,479-151,408,480); duplicating either gives the same sequence. VCF-style (leftmost placement, unchanged base first): chr1-151408478-A-AT. GRCh37 (hg19) VCF-style: chr1-151380954-A-AT.
Other names: c.2137dup, p.Met713fs (NM_001194937.2); c.1978dup, p.Met660fs (NM_001194938.2); c.1879dup, p.Met627fs (NM_145796.4); c.2005dup, p.Met669fs (NM_207171.2); short protein forms M713fs, M722fs, M627fs, M669fs, M660fs.
Identifiers: ClinVar variation 817871 (VCV000817871.1), dbSNP rs1571340772, ClinGen allele CA915941418.
Genomic context (GRCh38, chr1:151,408,478, plus strand): 5'-ACAGCTCTCTTCTGGATGCTGCGCTGGACAGGGGGATAAAGGAAGACAGGCAGAGGGTCC[A>AT]TTGAGGAGGTCAGCGGTGCTGCCTCCTGCAAGGCGCTGGGAGGTGTATCATTAGAGGATA-3'

ClinVar aggregate classification (germline): Pathogenic (1 of 4 stars; one submission).

Submission:

GeneDx
Classification: Pathogenic. Last evaluated: 2018-10-04. Review status: criteria provided, single submitter. Criteria: GeneDx Variant Classification (06012015). Collection method: clinical testing. Allele origin: germline. Affected: yes.
Comment: The c.2164dupA variant in the POGZ gene has not been reported previously as a pathogenic variant nor as a benign variant, to our knowledge. The c.2164dupA variant causes a frameshift starting with codon Methionine 722, changes this amino acid to an Asparagine residue, and creates a premature Stop codon at position 22 of the new reading frame, denoted p.Met722AsnfsX22. This variant is predicted to cause loss of normal protein function either through protein truncation or nonsense-mediated mRNA decay. The c.2164dupA variant is not observed in large population cohorts (Lek et al., 2016). We interpret c.2164dupA as a pathogenic variant.